The following is an entry in ClinVar:

ClinVar aggregate classification (germline): Uncertain significance. Review status: criteria provided, multiple submitters, no conflicts (2 of 4 stars). 2 submissions from 2 submitters: Uncertain significance (2). Last evaluated 2024-05-15.

Conditions:
Hereditary cancer-predisposing syndrome. Also called: Hereditary Cancer Syndrome; Neoplastic Syndromes, Hereditary; Hereditary neoplastic syndrome; Tumor predisposition. Identifiers: Orphanet 140162, MedGen C0027672, MeSH D009386, MONDO:0015356.
Tuberous sclerosis 1 (TSC1). Identifiers: Orphanet 805, MedGen C1854465, MONDO:0008612, OMIM 191100.

Submissions (2):

Labcorp Genetics (formerly Invitae), Labcorp
Classification: Uncertain significance for Tuberous sclerosis 1. Last evaluated: 2024-05-15. Review status: criteria provided, single submitter. Criteria: Invitae Variant Classification Sherloc (09022015). Collection method: clinical testing. Allele origin: germline.
Comment: This sequence change replaces lysine, which is basic and polar, with glutamic acid, which is acidic and polar, at codon 886 of the TSC1 protein (p.Lys886Glu). This variant is not present in population databases (gnomAD no frequency). This variant has not been reported in the literature in individuals affected with TSC1-related conditions. ClinVar contains an entry for this variant (Variation ID: 821634). Advanced modeling of protein sequence and biophysical properties (such as structural, functional, and spatial information, amino acid conservation, physicochemical variation, residue mobility, and thermodynamic stability) performed at Invitae indicates that this missense variant is not expected to disrupt TSC1 protein function with a negative predictive value of 95%. In summary, the available evidence is currently insufficient to determine the role of this variant in disease. Therefore, it has been classified as a Variant of Uncertain Significance.

Ambry Genetics
Classification: Uncertain significance for Hereditary cancer-predisposing syndrome. Last evaluated: 2018-03-29. Review status: criteria provided, single submitter. Criteria: Ambry Variant Classification Scheme 2023. Collection method: clinical testing. Allele origin: germline.
Comment: The p.K886E variant (also known as c.2656A>G), located in coding exon 19 of the TSC1 gene, results from an A to G substitution at nucleotide position 2656. The lysine at codon 886 is replaced by glutamic acid, an amino acid with similar properties. This amino acid position is highly conserved in available vertebrate species. In addition, this alteration is predicted to be deleterious by in silico analysis. Since supporting evidence is limited at this time, the clinical significance of this alteration remains unclear.

NM_000368.5(TSC1):c.2656A>G (p.Lys886Glu)

Gene: TSC1 (TSC complex subunit 1; minus strand). Cytogenetic location: 9q34.13.
Variant type: single nucleotide variant.
Coding change: c.2656A>G on transcript NM_000368.5 (MANE Select); coding-DNA position 2656, A replaced by G.
Protein change: p.Lys886Glu; replaces lysine 886 with glutamic acid.
Molecular consequence: missense variant.
Genome position (GRCh38, 1-based): chr9:132,897,580, T>C on the plus strand (A>G on the coding strand, the complement: TSC1 is on the minus strand). VCF-style: chr9-132897580-T-C. GRCh37 (hg19) VCF-style: chr9-135772967-T-C.
Other names: c.2653A>G, p.Lys885Glu (NM_001162426.2); c.2503A>G, p.Lys835Glu (NM_001162427.2); c.2293A>G, p.Lys765Glu (NM_001362177.2); short protein forms K765E, K885E, K835E, K886E.
Identifiers: ClinVar variation 821634 (VCV000821634.6), dbSNP rs1554813568, ClinGen allele CA375369611.
Genomic context (GRCh38, chr9:132,897,580, plus strand): 5'-GGGAGGTATCAAGCCTCTGAGTCTGCTGGAGAACATGGCTTCTGTTTTTTTCTAGCTCTT[T>C]CCGATAGGCGGCTTTCATCATTTCTACTTCCTGAAAAAAAAAAAAAAAAAAGACTGGAAT-3'
Protein context (NP_000359.1, residues 876-896): EVEMMKAAYR[Lys886Glu]ELEKNRSHVL